The following is an entry in ClinVar:

ClinVar aggregate classification (germline): Likely pathogenic. Review status: criteria provided, multiple submitters, no conflicts (2 of 4 stars). 2 submissions from 2 submitters: Likely pathogenic (2). Last evaluated 2019-02-01.

Conditions:
Thrombophilia due to protein S deficiency, autosomal dominant (THPH5). Identifiers: Orphanet 26349, Orphanet 743, MedGen C3278211, MONDO:0012868, OMIM 612336. Disease mechanism: loss of function.
Protein S deficiency disease. Also called: Protein S deficiency. Identifiers: MedGen C0242666, MeSH D018455, MONDO:0002304.

Submissions (2):

NIHR Bioresource Rare Diseases, University of Cambridge
Classification: Likely pathogenic for Reduced protein S activity. Last evaluated: 2019-02-01. Review status: criteria provided, single submitter. Criteria: ACMG Guidelines, 2015. Collection method: research. Allele origin: unknown. Affected: yes. Observed: 1 heterozygote. Study: ThromboGenomics.

Juno Genomics, Hangzhou Juno Genomics, Inc
Classification: Likely pathogenic for Thrombophilia due to protein S deficiency, autosomal dominant. Review status: criteria provided, single submitter. Criteria: ACMG Guidelines, 2015. Collection method: clinical testing. Allele origin: germline.
Comment: Absent from controls (or at extremely low frequency if recessive) in Genome Aggregation Database.;Multiple lines of computational evidence support a deleterious effect on the gene or gene product.;The prevalence of the variant in affected individuals is significantly increased compared to the prevalence in controls.;Patient's phenotype or family history is highly specific for a disease with a single genetic etiology.;Co-segregation with disease in multiple affected family members.

Literature cited by the submitters: PubMed 31064749 (cited by NIHR Bioresource Rare Diseases, University of Cambridge).

NM_000313.4(PROS1):c.1543C>T (p.Arg515Cys)

Gene: PROS1 (protein S; minus strand). Cytogenetic location: 3q11.1.
Variant type: single nucleotide variant.
Coding change: c.1543C>T on transcript NM_000313.4 (MANE Select); coding-DNA position 1543, C replaced by T.
Protein change: p.Arg515Cys; replaces arginine 515 with cysteine.
Molecular consequence: missense variant.
Genome position (GRCh38, 1-based): chr3:93,879,264, G>A on the plus strand (C>T on the coding strand, the complement: PROS1 is on the minus strand). VCF-style: chr3-93879264-G-A. GRCh37 (hg19) VCF-style: chr3-93598108-G-A.
Other names: c.1639C>T, p.Arg547Cys (NM_001314077.2); short protein forms R515C, R547C.
Identifiers: ClinVar variation 627008 (VCV000627008.4), dbSNP rs199469500, ClinGen allele CA78522141.
Genomic context (GRCh38, chr3:93,879,264, plus strand): 5'-AGGGCACTGTGTTGTTACCAGAAACCAAGGCAAGCATAACACCAGTGCCCGTGGATGGAC[G>A]AATATTCAAGGTCACATTTACATGCCAACCCTCAGCACTGGATACATTATCTATTTAAAA-3'
Protein context (NP_000304.2, residues 505-525): GWHVNVTLNI[Arg515Cys]PSTGTGVMLA